The following is an entry in ClinVar:

NM_000075.4(CDK4):c.*9G>A

Genes: TSPAN31 (tetraspanin 31; plus strand), CDK4 (cyclin dependent kinase 4; minus strand). Cytogenetic location: 12q14.1.
Variant type: single nucleotide variant.
Coding change: c.*9G>A on transcript NM_000075.4 (MANE Select); 9 bases downstream of the stop codon, G replaced by A.
Molecular consequence: 3 prime UTR variant.
Genome position (GRCh38, 1-based): chr12:57,748,516, C>T on the plus strand (G>A on the coding strand, the complement: CDK4 is on the minus strand). VCF-style: chr12-57748516-C-T. GRCh37 (hg19) VCF-style: chr12-58142299-C-T.
Other names: c.*1226C>T (NM_001330168.2, NM_001330169.2, NM_005981.5).
Identifiers: ClinVar variation 3378791 (VCV003378791.1).
Genomic context (GRCh38, chr12:57,748,516, plus strand): 5'-AGATTGCCCTCTCAGTGTCCAGAAGGGAAATGGCAGCTTTTCTTCCTTCCATGGCAGCCA[C>T]TCCATTGCTCACTCCGGATTACCTTCATCCTTATGTAGATAAGAGTGCTGCAGAGCTCGA-3'

ClinVar aggregate classification (germline): Benign (1 of 4 stars; one submission).

Conditions:
Melanoma, cutaneous malignant, susceptibility to, 3. Also called: Cutaneous malignant melanoma 3. Identifiers: Orphanet 618, MedGen C1836892, MONDO:0012183, OMIM 609048.

gnomAD v4.1: 5 of 1,599,956 alleles (0.00031%); highest among the groups gnomAD compares: Non-Finnish European, 0.00043%; no homozygotes.

Submission:

Myriad Genetics, Inc.
Classification: Benign for Melanoma, cutaneous malignant, susceptibility to, 3. Last evaluated: 2024-09-30. Review status: criteria provided, single submitter. Criteria: Myriad Autosomal Dominant, Autosomal Recessive and X-Linked Classification Criteria (2023). Collection method: clinical testing. Allele origin: unknown.
Comment: This variant is considered benign. This variant occurs in the non-coding 3' untranslated region of the gene, and is not expected to impact protein function.